The following is an entry in ClinVar:

NM_004519.4(KCNQ3):c.2290G>C (p.Ala764Pro)

Gene: KCNQ3 (potassium voltage-gated channel subfamily Q member 3; minus strand). Cytogenetic location: 8q24.22.
Variant type: single nucleotide variant.
Coding change: c.2290G>C on transcript NM_004519.4 (MANE Select); coding-DNA position 2290, G replaced by C.
Protein change: p.Ala764Pro; replaces alanine 764 with proline.
Molecular consequence: missense variant.
Genome position (GRCh38, 1-based): chr8:132,129,591, C>G on the plus strand (G>C on the coding strand, the complement: KCNQ3 is on the minus strand). VCF-style: chr8-132129591-C-G. GRCh37 (hg19) VCF-style: chr8-133141838-C-G.
Other names: c.1930G>C, p.Ala644Pro (NM_001204824.2); short protein forms A644P, A764P.
Identifiers: ClinVar variation 1789107 (VCV001789107.2), dbSNP rs1165980000, ClinGen allele CA372216199.

ClinVar aggregate classification (germline): Uncertain significance (1 of 4 stars; one submission).

Conditions:
Inborn genetic diseases. Identifiers: MedGen C0950123, MeSH D030342.

gnomAD v4.1: 4 of 1,614,182 alleles (0.00025%); highest among the groups gnomAD compares: Non-Finnish European, 0.00034%; no homozygotes.

Submission:

Ambry Genetics
Classification: Uncertain significance for Inborn genetic diseases. Last evaluated: 2018-02-07. Review status: criteria provided, single submitter. Criteria: Ambry Variant Classification Scheme 2023. Collection method: clinical testing. Allele origin: germline.
Comment: The p.A764P variant (also known as c.2290G>C), located in coding exon 15 of the KCNQ3 gene, results from a G to C substitution at nucleotide position 2290. The alanine at codon 764 is replaced by proline, an amino acid with highly similar properties. This amino acid position is poorly conserved conserved in available vertebrate species, and proline is the reference amino acid in other vertebrate species. In addition, this alteration is predicted to be tolerated by in silico analysis. Since supporting evidence is limited at this time, the clinical significance of this alteration remains unclear.